The following is an entry in ClinVar:

NM_007186.6(CEP250):c.2018A>G (p.Glu673Gly)

Genes: CEP250 (centrosomal protein 250; plus strand), CEP250-AS1 (CEP250 antisense RNA 1; minus strand). Cytogenetic location: 20q11.22.
Variant type: single nucleotide variant.
Coding change: c.2018A>G on transcript NM_007186.6 (MANE Select); coding-DNA position 2018, A replaced by G.
Protein change: p.Glu673Gly; replaces glutamic acid 673 with glycine.
Molecular consequence: missense variant.
Genome position (GRCh38, 1-based): chr20:35,478,025, A>G. VCF-style: chr20-35478025-A-G. GRCh37 (hg19) VCF-style: chr20-34065850-A-G.
Other names: c.122A>G, p.Glu41Gly (NM_001318219.1); c.2018A>G (NM_007186.3, NM_007186.5); short protein forms E41G, E673G.
Identifiers: ClinVar variation 1014010 (VCV001014010.9), dbSNP rs1426141323, ClinGen allele CA408766568.

ClinVar aggregate classification (germline): Uncertain significance. Review status: criteria provided, multiple submitters, no conflicts (2 of 4 stars). 4 submissions from 4 submitters: Uncertain significance (4). Last evaluated 2026-04-25.

Conditions:
CEP250-related disorder. Also called: CEP250-related condition.

Allele frequency attached by ClinVar (database versions not stated): gnomAD exomes below 0.00001; gnomAD 0.00001; TOPMed 0.00005.
gnomAD v4.1: 3 of 1,614,022 alleles (0.00019%); highest among the groups gnomAD compares: Admixed American, 0.005%; no homozygotes.

Submissions (4):

PreventionGenetics, part of Exact Sciences
Classification: Uncertain significance for CEP250-related condition. Last evaluated: 2026-04-25. Review status: criteria provided, single submitter. Criteria: ACMG Guidelines, 2015. Collection method: clinical testing. Allele origin: germline.
Comment: The CEP250 c.2018A>G variant is predicted to result in the amino acid substitution p.Glu673Gly. To our knowledge, this variant has not been reported in the literature. This variant is reported in 0.0029% of alleles in individuals of Latino descent in gnomAD. At this time, the clinical significance of this variant is uncertain due to the absence of conclusive functional and genetic evidence.

Ambry Genetics
Classification: Uncertain significance. Last evaluated: 2025-12-11. Review status: criteria provided, single submitter. Criteria: Ambry Variant Classification Scheme 2023. Collection method: clinical testing. Allele origin: germline.

Blueprint Genetics
Classification: Uncertain significance. Last evaluated: 2022-11-01. Review status: criteria provided, single submitter. Criteria: ACMG Guidelines, 2015. Collection method: clinical testing. Allele origin: germline.

Labcorp Genetics (formerly Invitae), Labcorp
Classification: Uncertain significance. Last evaluated: 2022-02-19. Review status: criteria provided, single submitter. Criteria: Invitae Variant Classification Sherloc (09022015). Collection method: clinical testing. Allele origin: germline.
Comment: This sequence change replaces glutamic acid, which is acidic and polar, with glycine, which is neutral and non-polar, at codon 673 of the CEP250 protein (p.Glu673Gly). This variant is present in population databases (no rsID available, gnomAD 0.003%). This variant has not been reported in the literature in individuals affected with CEP250-related conditions. ClinVar contains an entry for this variant (Variation ID: 1014010). Algorithms developed to predict the effect of missense changes on protein structure and function are either unavailable or do not agree on the potential impact of this missense change (SIFT: "Not Available"; PolyPhen-2: "Benign"; Align-GVGD: "Not Available"). In summary, the available evidence is currently insufficient to determine the role of this variant in disease. Therefore, it has been classified as a Variant of Uncertain Significance.